The following is an entry in ClinVar:

NM_001918.5(DBT):c.978C>G (p.Asn326Lys)

Gene: DBT (dihydrolipoamide branched chain transacylase E2; minus strand). Cytogenetic location: 1p21.2.
Variant type: single nucleotide variant.
Coding change: c.978C>G on transcript NM_001918.5 (MANE Select); coding-DNA position 978, C replaced by G.
Protein change: p.Asn326Lys; replaces asparagine 326 with lysine.
Molecular consequence: missense variant. On other transcripts: non-coding transcript variant (4).
Genome position (GRCh38, 1-based): chr1:100,210,733, G>C on the plus strand (C>G on the coding strand, the complement: DBT is on the minus strand). VCF-style: chr1-100210733-G-C. GRCh37 (hg19) VCF-style: chr1-100676289-G-C.
Other names: c.435C>G, p.Asn145Lys (NM_001399969.1, NM_001399972.1); short protein forms N145K, N326K.
Identifiers: ClinVar variation 3633574 (VCV003633574.2).

ClinVar aggregate classification (germline): Uncertain significance (1 of 4 stars; one submission).

Conditions:
Maple syrup urine disease (MSUD). Identifiers: Orphanet 511, MedGen C0024776, MeSH D008375, MONDO:0009563. Disease mechanism: loss of function.

Submission:

Labcorp Genetics (formerly Invitae), Labcorp
Classification: Uncertain significance for Maple syrup urine disease. Last evaluated: 2024-09-16. Review status: criteria provided, single submitter. Criteria: Invitae Variant Classification Sherloc (09022015). Collection method: clinical testing. Allele origin: germline.
Comment: This sequence change replaces asparagine, which is neutral and polar, with lysine, which is basic and polar, at codon 326 of the DBT protein (p.Asn326Lys). This variant is not present in population databases (gnomAD no frequency). This variant has not been reported in the literature in individuals affected with DBT-related conditions. Invitae Evidence Modeling of protein sequence and biophysical properties (such as structural, functional, and spatial information, amino acid conservation, physicochemical variation, residue mobility, and thermodynamic stability) has been performed for this missense variant. However, the output from this modeling did not meet the statistical confidence thresholds required to predict the impact of this variant on DBT protein function. In summary, the available evidence is currently insufficient to determine the role of this variant in disease. Therefore, it has been classified as a Variant of Uncertain Significance.